The following is an entry in ClinVar:

ClinVar aggregate classification (germline): Uncertain significance (1 of 4 stars; one submission).

Conditions:
Hereditary cancer-predisposing syndrome. Also called: Neoplastic Syndromes, Hereditary; Hereditary neoplastic syndrome; Tumor predisposition; Hereditary Cancer Syndrome. Identifiers: Orphanet 140162, MedGen C0027672, MeSH D009386, MONDO:0015356.

Submission:

Ambry Genetics
Classification: Uncertain significance for Hereditary cancer-predisposing syndrome. Last evaluated: 2026-02-21. Review status: criteria provided, single submitter. Criteria: Ambry Variant Classification Scheme 2023. Collection method: clinical testing. Allele origin: germline.
Comment: The p.L358Q variant (also known as c.1073T>A), located in coding exon 4 of the AXIN2 gene, results from a T to A substitution at nucleotide position 1073. The leucine at codon 358 is replaced by glutamine, an amino acid with dissimilar properties. This amino acid position is conserved. In addition, the in silico prediction for this alteration is inconclusive. Based on the available evidence, the clinical significance of this variant remains unclear.

NM_004655.4(AXIN2):c.1073T>A (p.Leu358Gln)

Gene: AXIN2 (axin 2; minus strand). Cytogenetic location: 17q24.1.
Variant type: single nucleotide variant.
Coding change: c.1073T>A on transcript NM_004655.4 (MANE Select); coding-DNA position 1073, T replaced by A.
Protein change: p.Leu358Gln; replaces leucine 358 with glutamine.
Molecular consequence: missense variant.
Genome position (GRCh38, 1-based): chr17:65,538,330, A>T on the plus strand (T>A on the coding strand, the complement: AXIN2 is on the minus strand). VCF-style: chr17-65538330-A-T. GRCh37 (hg19) VCF-style: chr17-63534448-A-T.
Other names: c.1073T>A, p.Leu358Gln (NM_001363813.1); short protein forms L358Q.
Identifiers: ClinVar variation 4824631 (VCV004824631.1).